The following is an entry in ClinVar:

ClinVar aggregate classification (germline): Benign/Likely benign. Review status: criteria provided, multiple submitters, no conflicts (2 of 4 stars). 4 submissions from 4 submitters: Benign (2); Likely benign (1). 1 of the submissions does not count toward it. Last evaluated 2025-10-01.

Conditions:
Inborn genetic diseases. Identifiers: MedGen C0950123, MeSH D030342.
ALG13-related disorder. Also called: ALG13-related condition.
Developmental and epileptic encephalopathy, 36 (DEE36). Also called: ALG13-CDG; Epileptic encephalopathy, early infantile, 36; Congenital disorder of glycosylation, type Is. Identifiers: Orphanet 324422, MedGen C4317295, MONDO:0010472, OMIM 300884.

Allele frequency attached by ClinVar (database versions not stated): gnomAD exomes 0.00003 and 0.00012; ExAC 0.00013; 1000 Genomes Project 30x 0.00021; 1000 Genomes Project 0.00026; TOPMed 0.00034; gnomAD 0.00035 and 0.00037; ESP Exome Variant Server 0.00085.
gnomAD v4.1: 73 of 1,187,684 alleles (0.0061%); highest among the groups gnomAD compares: African/African-American, 0.11%; no homozygotes.

Submissions (4):

Labcorp Genetics (formerly Invitae), Labcorp
Classification: Benign for Developmental and epileptic encephalopathy, 36. Last evaluated: 2025-10-01. Review status: criteria provided, single submitter. Criteria: Invitae Variant Classification Sherloc (09022015). Collection method: clinical testing. Allele origin: germline.

Ambry Genetics
Classification: Benign for Inborn genetic diseases. Last evaluated: 2024-10-30. Review status: criteria provided, single submitter. Criteria: Ambry Variant Classification Scheme 2023. Collection method: clinical testing. Allele origin: germline.

GeneDx
Classification: Likely benign. Last evaluated: 2021-04-27. Review status: criteria provided, single submitter. Criteria: GeneDx Variant Classification Process June 2021. Collection method: clinical testing. Allele origin: germline. Affected: yes.

PreventionGenetics, part of Exact Sciences
Classification: Likely benign for ALG13-related condition. Last evaluated: 2021-10-12. Review status: no assertion criteria provided. Collection method: clinical testing. Allele origin: germline. Not counted in ClinVar's aggregate classification.
Comment: This variant is classified as likely benign based on ACMG/AMP sequence variant interpretation guidelines (Richards et al. 2015 PMID: 25741868, with internal and published modifications).

NM_001099922.3(ALG13):c.104A>G (p.Asn35Ser)

Gene: ALG13 (ALG13 UDP-N-acetylglucosaminyltransferase subunit; plus strand). Cytogenetic location: Xq23.
Variant type: single nucleotide variant.
Coding change: c.104A>G on transcript NM_001099922.3 (MANE Select); coding-DNA position 104, A replaced by G.
Protein change: p.Asn35Ser; replaces asparagine 35 with serine.
Molecular consequence: missense variant. On other transcripts: 5 prime UTR variant (6), non-coding transcript variant (1), intron variant (5).
Genome position (GRCh38, 1-based): chrX:111,682,154, A>G. VCF-style: chrX-111682154-A-G. GRCh37 (hg19) VCF-style: chrX-110925382-A-G.
Other names: c.104A>G, p.Asn35Ser (NM_001039210.5, NM_001168385.3, NM_001324290.2 and 2 more transcripts); c.-72A>G (NM_001257231.2, NM_001257241.3); c.-209A>G (NM_001257237.2, NM_001257239.3, NM_001257240.3 and 1 more transcripts); c.-127-82A>G (NM_001257234.2, NM_001257230.2, NM_001257235.3 and 2 more transcripts); short protein forms N35S.
Identifiers: ClinVar variation 510586 (VCV000510586.20), dbSNP rs149808406, ClinGen allele CA10493450.